The following is an entry in ClinVar:

NM_001122681.2(SH3BP2):c.518-15C>G

Gene: SH3BP2 (SH3 domain binding protein 2; plus strand). Cytogenetic location: 4p16.3.
Variant type: single nucleotide variant.
Coding change: c.518-15C>G on transcript NM_001122681.2 (MANE Select); 15 bases into the intron before coding-DNA position 518, C replaced by G.
Molecular consequence: intron variant.
Genome position (GRCh38, 1-based): chr4:2,827,591, C>G. VCF-style: chr4-2827591-C-G. GRCh37 (hg19) VCF-style: chr4-2829318-C-G.
Other names: c.518-15C>G (LRG_1334t1, NM_003023.4); c.602-15C>G (LRG_1334t2, NM_001145855.2); c.689-15C>G (NM_001145856.2).
Identifiers: ClinVar variation 348578 (VCV000348578.15), dbSNP rs147331573, ClinGen allele CA2819222.
Genomic context (GRCh38, chr4:2,827,591, plus strand): 5'-CCCCATGCATGGAGCATTGCTCGGAGACTGGGCCTGGGCCGGTTTGGCTCTCACCACCCC[C>G]CTCTCCCCATGCAGACTATGAGCACGACGATGAGGATGACTCCTACCTGGAGCCTGACTC-3'

ClinVar aggregate classification (germline): Benign/Likely benign. Review status: criteria provided, multiple submitters, no conflicts (2 of 4 stars). 3 submissions from 3 submitters: Benign (2); Likely benign (1). Last evaluated 2025-11-27.

Conditions:
Fibrous dysplasia of jaw (CRBM). Also called: Cherubism. Identifiers: Orphanet 184, MedGen C0008029, MONDO:0007315, OMIM 118400.

Allele frequency attached by ClinVar (database versions not stated): gnomAD 0.00010; TOPMed 0.00041; 1000 Genomes Project 30x 0.00234; 1000 Genomes Project 0.00280.
gnomAD v4.1: 1,466 of 1,582,744 alleles (0.093%); highest among the groups gnomAD compares: East Asian, 3.3%; 51 homozygotes.

Submissions (5):

Labcorp Genetics (formerly Invitae), Labcorp
Classification: Benign for Fibrous dysplasia of jaw. Last evaluated: 2025-11-27. Review status: criteria provided, single submitter. Criteria: Invitae Variant Classification Sherloc (09022015). Collection method: clinical testing. Allele origin: germline.

Blueprint Genetics
Classification: Likely benign. Last evaluated: 2024-05-06. Review status: criteria provided, single submitter. Criteria: ACMG Guidelines, 2015. Collection method: clinical testing. Allele origin: germline.

Illumina Laboratory Services, Illumina
Classification: Benign for Fibrous dysplasia of jaw. Last evaluated: 2018-01-13. Review status: criteria provided, single submitter. Criteria: ICSL Variant Classification Criteria 13 December 2019. Collection method: clinical testing. Allele origin: germline.
Comment: This variant was observed in the ICSL laboratory as part of a predisposition screen in an ostensibly healthy population. It had not been previously curated by ICSL or reported in the Human Gene Mutation Database (HGMD: prior to June 1st, 2018), and was therefore a candidate for classification through an automated scoring system. Utilizing variant allele frequency, disease prevalence and penetrance estimates, and inheritance mode, an automated score was calculated to assess if this variant is too frequent to cause the disease. Based on the score and internal cut-off values, a variant classified as benign is not then subjected to further curation. The score for this variant resulted in a classification of benign for this disease.

Dr. Peter K. Rogan Lab, Western University
No classification provided (evidence only). Condition: Malignant tumor of esophagus. Review status: no classification provided. Collection method: in vitro. Allele origin: not applicable. Functional consequence: retained intron. Not counted in ClinVar's aggregate classification.

Dr. Peter K. Rogan Lab, Western University
No classification provided (evidence only). Condition: Hepatocellular carcinoma. Review status: no classification provided. Collection method: in vitro. Allele origin: not applicable. Functional consequence: retained intron. Not counted in ClinVar's aggregate classification.